The following is an entry in ClinVar:

NM_001609.4(ACADSB):c.*358T>C

Gene: ACADSB (acyl-CoA dehydrogenase short/branched chain; plus strand). Cytogenetic location: 10q26.13.
Variant type: single nucleotide variant.
Coding change: c.*358T>C on transcript NM_001609.4 (MANE Select); 358 bases downstream of the stop codon, T replaced by C.
Molecular consequence: 3 prime UTR variant.
Genome position (GRCh38, 1-based): chr10:123,054,123, T>C. VCF-style: chr10-123054123-T-C. GRCh37 (hg19) VCF-style: chr10-124813639-T-C.
Other names: c.*358T>C (NM_001330174.3).
Identifiers: ClinVar variation 299103 (VCV000299103.6), dbSNP rs184796725, ClinGen allele CA10628153.

ClinVar aggregate classification (germline): Benign. Review status: criteria provided, multiple submitters, no conflicts (2 of 4 stars). 2 submissions from 2 submitters: Benign (2). Last evaluated 2018-01-13.

Conditions:
Deficiency of 2-methylbutyryl-CoA dehydrogenase (ACADSB). Also called: 2-methylbutyryl-CoA dehydrogenase deficiency; SBCAD deficiency; 2-methylbutyric aciduria; Short branched-chain acyl-CoA dehydrogenase deficiency; 2-methylbutyrylglycinuria. Identifiers: Orphanet 79157, MedGen C1864912, MONDO:0012392, OMIM 610006, HP:0020147.

Allele frequency attached by ClinVar (database versions not stated): gnomAD exomes 0.00150; gnomAD 0.00198 and 0.00207; 1000 Genomes Project 0.00339; 1000 Genomes Project 30x 0.00390; TOPMed 0.00393.
gnomAD v4.1: 475 of 261,802 alleles (0.18%); highest among the groups gnomAD compares: Admixed American, 2.2%; 7 homozygotes.

Submissions (2):

Illumina Laboratory Services, Illumina
Classification: Benign for Deficiency of 2-methylbutyryl-CoA dehydrogenase. Last evaluated: 2018-01-13. Review status: criteria provided, single submitter. Criteria: ICSL Variant Classification Criteria 13 December 2019. Collection method: clinical testing. Allele origin: germline.
Comment: This variant was observed in the ICSL laboratory as part of a predisposition screen in an ostensibly healthy population. It had not been previously curated by ICSL or reported in the Human Gene Mutation Database (HGMD: prior to June 1st, 2018), and was therefore a candidate for classification through an automated scoring system. Utilizing variant allele frequency, disease prevalence and penetrance estimates, and inheritance mode, an automated score was calculated to assess if this variant is too frequent to cause the disease. Based on the score and internal cut-off values, a variant classified as benign is not then subjected to further curation. The score for this variant resulted in a classification of benign for this disease.

Breakthrough Genomics
Classification: Benign. Review status: criteria provided, single submitter. Criteria: ACMG Guidelines, 2015. Collection method: not provided. Allele origin: germline. Inheritance: Autosomal recessive inheritance. Affected: yes.